The following is an entry in ClinVar:

ClinVar aggregate classification (germline): Likely benign. Review status: criteria provided, single submitter (1 of 4 stars). 2 submissions from 2 submitters: Likely benign (1). 1 of the submissions does not count toward it. Last evaluated 2019-12-31.

Conditions:
NPAS2-related disorder. Also called: NPAS2-related condition.

Allele frequency attached by ClinVar (database versions not stated): 1000 Genomes Project 0.00040; 1000 Genomes Project 30x 0.00078; gnomAD 0.00321 and 0.00343; TOPMed 0.00330; gnomAD exomes 0.00331 and 0.00487; ESP Exome Variant Server 0.00413; ExAC 0.00494.
gnomAD v4.1: 7,411 of 1,594,620 alleles (0.46%); highest among the groups gnomAD compares: Non-Finnish European, 0.59%; 34 homozygotes.

Submissions (2):

Labcorp Genetics (formerly Invitae), Labcorp
Classification: Likely benign. Last evaluated: 2019-12-31. Review status: criteria provided, single submitter. Criteria: Invitae Variant Classification Sherloc (09022015). Collection method: clinical testing. Allele origin: germline.

PreventionGenetics, part of Exact Sciences
Classification: Likely benign for NPAS2-related condition. Last evaluated: 2019-09-30. Review status: no assertion criteria provided. Collection method: clinical testing. Allele origin: germline. Not counted in ClinVar's aggregate classification.
Comment: This variant is classified as likely benign based on ACMG/AMP sequence variant interpretation guidelines (Richards et al. 2015 PMID: 25741868, with internal and published modifications).

NM_002518.4(NPAS2):c.2264G>A (p.Arg755Gln)

Gene: NPAS2 (neuronal PAS domain protein 2; plus strand). Cytogenetic location: 2q11.2.
Variant type: single nucleotide variant.
Coding change: c.2264G>A on transcript NM_002518.4 (MANE Select); coding-DNA position 2264, G replaced by A.
Protein change: p.Arg755Gln; replaces arginine 755 with glutamine.
Molecular consequence: missense variant.
Genome position (GRCh38, 1-based): chr2:100,993,499, G>A. VCF-style: chr2-100993499-G-A. GRCh37 (hg19) VCF-style: chr2-101609961-G-A.
Other names: short protein forms R755Q.
Identifiers: ClinVar variation 775176 (VCV000775176.6), dbSNP rs113107029, ClinGen allele CA1804071.
Genomic context (GRCh38, chr2:100,993,499, plus strand): 5'-CGGTGCTCCACCCCAGCTTCCCTGCCTCCCAACCATCGCCCCTGCAGCCTGCACAGGCCC[G>A]GCAGCAGCCACCGCAGCACTACCTGCAGGTGGGTGCCACGGCCCAGGGGGCCCCCGTGCA-3'
Protein context (NP_002509.2, residues 745-765): QPSPLQPAQA[Arg755Gln]QQPPQHYLQV